The following is an entry in ClinVar:

ClinVar aggregate classification (germline): Uncertain significance (1 of 4 stars; one submission).

Submission:

GeneDx
Classification: Uncertain significance. Last evaluated: 2026-10-01. Review status: criteria provided, single submitter. Criteria: GeneDx Variant Classification Process June 2021. Collection method: clinical testing. Allele origin: germline.
Comment: Not observed at significant frequency in large population cohorts (gnomAD); In silico analysis supports that this missense variant has a deleterious effect on protein structure/function; Has not been previously published as pathogenic or benign to our knowledge

NM_000278.5(PAX2):c.286G>C (p.Val96Leu)

Gene: PAX2 (paired box 2; plus strand). Cytogenetic location: 10q24.31.
Variant type: single nucleotide variant.
Coding change: c.286G>C on transcript NM_000278.5 (MANE Select); coding-DNA position 286, G replaced by C.
Protein change: p.Val96Leu; replaces valine 96 with leucine.
Molecular consequence: missense variant.
Genome position (GRCh38, 1-based): chr10:100,750,767, G>C. VCF-style: chr10-100750767-G-C. GRCh37 (hg19) VCF-style: chr10-102510524-G-C.
Other names: c.379G>C, p.Val127Leu (NM_001304569.2); c.286G>C, p.Val96Leu (NM_003987.5, NM_003988.5, NM_003989.5 and 1 more transcripts); short protein forms V127L, V96L.
Identifiers: ClinVar variation 3373263 (VCV003373263.2).